The following is an entry in ClinVar:

NR_003137.3(RNU4-2):n.76_77insT

Genes: RNU4-2 (RNA, U4 small nuclear 2; minus strand), SIRT4 (sirtuin 4; plus strand). Cytogenetic location: 12q24.23.
Variant type: Insertion.
Molecular consequence: non-coding transcript variant (on NR_003137.3).
Genome position: GRCh38 VCF-style: chr12-120291827-T-TA. GRCh37 (hg19) VCF-style: chr12-120729630-T-TA.
Identifiers: ClinVar variation 3766426 (VCV003766426.2).

ClinVar aggregate classification (germline): Likely pathogenic. Review status: criteria provided, multiple submitters, no conflicts (2 of 4 stars). 2 submissions from 2 submitters: Likely pathogenic (2). Last evaluated 2026-04-02.

Conditions:
Neurodevelopmental disorder with hypotonia, brain anomalies, distinctive facies, and absent language. Also called: RNU4-2-Related Neurodevelopmental Disorder; RNU4-2–Related Autosomal Dominant Neurodevelopmental Disorder; ReNU SYNDROME. Identifiers: Orphanet 686488, MedGen C5935628, MONDO:0971172, OMIM 620851.

Submissions (2):

Institute of Medical Genetics and Applied Genomics, University Hospital Tübingen
Classification: Likely pathogenic for Neurodevelopmental disorder with hypotonia, brain anomalies, distinctive facies, and absent language. Last evaluated: 2026-04-02. Review status: criteria provided, single submitter. Criteria: ACMG Guidelines, 2015. Collection method: clinical testing. Allele origin: germline. Inheritance: Autosomal dominant inheritance. Affected: yes.

Institute for Human Genetics, University Hospital Essen
Classification: Likely pathogenic for Neurodevelopmental disorder with hypotonia, brain anomalies, distinctive facies, and absent language. Last evaluated: 2005-03-05. Review status: criteria provided, single submitter. Criteria: ACMG Guidelines, 2015. Collection method: clinical testing. Allele origin: de novo. Inheritance: Autosomal dominant inheritance. Affected: yes.
Comment: PM2_supp, PS2, PM1